The following is an entry in ClinVar:

ClinVar aggregate classification (germline): Pathogenic. Review status: reviewed by expert panel (3 of 4 stars). 4 submissions from 4 submitters: Pathogenic (1). 3 of the submissions do not count toward it. Last evaluated 2016-10-18.

Conditions:
Hereditary breast ovarian cancer syndrome. Also called: BRCA1- and BRCA2-Associated Hereditary Breast and Ovarian Cancer; Hereditary breast and ovarian cancer; Hereditary breast and ovarian cancer syndrome (HBOC); Breast and ovarian cancer; Hereditary breast and/or ovarian cancer syndrome; Hereditary breast and ovarian cancer syndrome. Identifiers: Orphanet 145, MedGen C0677776, MeSH D061325, MONDO:0003582. Disease mechanism: loss of function.
Breast-ovarian cancer, familial, susceptibility to, 1 (BROVCA1). Also called: OVARIAN CANCER, SUSCEPTIBILITY TO; BRCA1 Hereditary Breast and Ovarian Cancer. Identifiers: Orphanet 145, MedGen C2676676, MONDO:0011450, OMIM 604370. Disease mechanism: loss of function.
Hereditary cancer-predisposing syndrome. Also called: Hereditary Cancer Syndrome; Tumor predisposition; Hereditary neoplastic syndrome; Neoplastic Syndromes, Hereditary. Identifiers: Orphanet 140162, MedGen C0027672, MeSH D009386, MONDO:0015356.

Submissions (4):

Evidence-based Network for the Interpretation of Germline Mutant Alleles (ENIGMA)
Classification: Pathogenic for Breast-ovarian cancer, familial, susceptibility to, 1. Last evaluated: 2016-10-18. Review status: reviewed by expert panel. Criteria: ENIGMA BRCA1/2 Classification Criteria (2015). Collection method: curation. Allele origin: germline.
Comment: Variant allele predicted to encode a truncated non-functional protein.

Ambry Genetics
Classification: Pathogenic for Hereditary cancer-predisposing syndrome. Last evaluated: 2026-09-02. Review status: criteria provided, single submitter. Criteria: Ambry Variant Classification Scheme 2023. Collection method: clinical testing. Allele origin: germline. Not counted in ClinVar's aggregate classification.
Comment: The c.4618_4621delGAAGinsAAA pathogenic mutation, located in coding exon 13 of the BRCA1 gene, results from the deletion of 4 nucleotides and insertion of 3 nucleotides causing a translational frameshift with a predicted alternate stop codon (p.E1540Kfs*8). This variant was reported in individual(s) with features consistent with BRCA1-related cancer predisposition (George SHL et al. JAMA Netw Open, 2021 Mar;4:e210307). This variant is considered to be rare based on population cohorts in the Genome Aggregation Database (gnomAD). This alteration is expected to result in loss of function by premature protein truncation or nonsense-mediated mRNA decay. As such, this alteration is interpreted as a disease-causing mutation.

Labcorp Genetics (formerly Invitae), Labcorp
Classification: Pathogenic for Hereditary breast ovarian cancer syndrome. Last evaluated: 2024-09-18. Review status: criteria provided, single submitter. Criteria: Invitae Variant Classification Sherloc (09022015). Collection method: clinical testing. Allele origin: germline. Not counted in ClinVar's aggregate classification.
Comment: This sequence change creates a premature translational stop signal (p.Glu1540Lysfs*8) in the BRCA1 gene. It is expected to result in an absent or disrupted protein product. Loss-of-function variants in BRCA1 are known to be pathogenic (PMID: 20104584). Information on the frequency of this variant in the gnomAD database is not available, as this variant may be reported differently in the database. This premature translational stop signal has been observed in individual(s) with breast and/or ovarian cancer (PMID: 33646313). For these reasons, this variant has been classified as Pathogenic.

Consortium of Investigators of Modifiers of BRCA1/2 (CIMBA), c/o University of Cambridge
Classification: Pathogenic for Breast-ovarian cancer, familial, susceptibility to, 1. Last evaluated: 2015-10-02. Review status: criteria provided, single submitter. Criteria: CIMBA Mutation Classification guidelines May 2016. Collection method: clinical testing. Allele origin: germline. Not counted in ClinVar's aggregate classification.

Literature cited by the submitters: PubMed 33646313 (cited by Ambry Genetics and Labcorp Genetics (formerly Invitae), Labcorp); PubMed 20104584 (cited by Labcorp Genetics (formerly Invitae), Labcorp).

NM_007294.4(BRCA1):c.4618_4621delinsAAA (p.Glu1540fs)

Gene: BRCA1 (BRCA1 DNA repair associated; minus strand). Cytogenetic location: 17q21.31.
Variant type: Indel.
Coding change: c.4618_4621delinsAAA on transcript NM_007294.4 (MANE Select); coding-DNA positions 4618 to 4621, GAAG replaced by AAA.
Protein change: p.Glu1540fs; shifts the reading frame from glutamic acid 1540.
Molecular consequence: frameshift variant. On other transcripts: non-coding transcript variant (1).
Genome position (GRCh38, 1-based): chr17:43,074,385-43,074,388, CTTC replaced by TTT on the plus strand (GAAG replaced by AAA on the coding strand, the reverse complement: BRCA1 is on the minus strand). VCF-style: chr17-43074385-CTTC-TTT. GRCh37 (hg19) VCF-style: chr17-41226402-CTTC-TTT.
Other names: 4737_4741delGAAGAinsAAAA; c.4405_4408delGAAGinsAAA, p.Glu1469Lysfs (NM_001407571.1, NM_001407894.1, NM_001407895.1 and 12 more transcripts); c.4684_4687delGAAGinsAAA, p.Glu1562Lysfs (NM_001407581.1, NM_001407582.1); c.4681_4684delGAAGinsAAA, p.Glu1561Lysfs (NM_001407583.1, NM_001407585.1, NM_001407587.1); c.4678_4681delGAAGinsAAA, p.Glu1560Lysfs (NM_001407590.1, NM_001407591.1); c.4618_4621delGAAGinsAAA, p.Glu1540Lysfs (NM_001407593.1, NM_001407594.1, NM_001407596.1 and 8 more transcripts); c.4615_4618delGAAGinsAAA, p.Glu1539Lysfs (NM_001407610.1, NM_001407611.1, NM_001407612.1 and 17 more transcripts); c.4612_4615delGAAGinsAAA, p.Glu1538Lysfs (NM_001407627.1, NM_001407628.1, NM_001407629.1 and 14 more transcripts); and 72 more; short protein forms E1540fs, E1493fs, E1561fs, E436fs.
Identifiers: ClinVar variation 266487 (VCV000266487.9), dbSNP rs886040240, ClinGen allele CA10589652.
Genomic context (GRCh38, chr17:43,074,385, plus strand): 5'-TATTACCTAGATCTTGCCTTGGCAAGTAAGATGTTTCCGTCAAATCGTGTGGCCCAGACT[CTTC>TTT]CAGCTGTTGCTCCTCCACATCAACAACCTTAATGAGCTCCTCTTGAGATGGGTAGTTTCT-3'